The following is an entry in ClinVar:

NM_000824.5(GLRB):c.718T>C (p.Tyr240His)

Gene: GLRB (glycine receptor beta; plus strand). Cytogenetic location: 4q32.1.
Variant type: single nucleotide variant.
Coding change: c.718T>C on transcript NM_000824.5 (MANE Select); coding-DNA position 718, T replaced by C.
Protein change: p.Tyr240His; replaces tyrosine 240 with histidine.
Molecular consequence: missense variant.
Genome position (GRCh38, 1-based): chr4:157,138,916, T>C. VCF-style: chr4-157138916-T-C. GRCh37 (hg19) VCF-style: chr4-158060068-T-C.
Other names: c.718T>C, p.Tyr240His (NM_001166060.2, NM_001166061.2); short protein forms Y240H.
Identifiers: ClinVar variation 2167613 (VCV002167613.1), dbSNP rs377123223, ClinGen allele CA109164149.

ClinVar aggregate classification (germline): Uncertain significance (1 of 4 stars; one submission).

Conditions:
Hyperekplexia 2 (HKPX2). Identifiers: Orphanet 3197, MedGen C3553291, MONDO:0013828, OMIM 614619.

Allele frequency attached by ClinVar (database versions not stated): gnomAD exomes below 0.00001; gnomAD 0.00001; TOPMed 0.00001; ESP Exome Variant Server 0.00008.
gnomAD v4.1: 5 of 1,474,540 alleles (0.00034%); highest among the groups gnomAD compares: Non-Finnish European, 0.00047%; no homozygotes.

Submission:

Labcorp Genetics (formerly Invitae), Labcorp
Classification: Uncertain significance for Hyperekplexia 2. Last evaluated: 2022-08-01. Review status: criteria provided, single submitter. Criteria: Invitae Variant Classification Sherloc (09022015). Collection method: clinical testing. Allele origin: germline.
Comment: This sequence change replaces tyrosine, which is neutral and polar, with histidine, which is basic and polar, at codon 240 of the GLRB protein (p.Tyr240His). This variant is present in population databases (rs377123223, gnomAD 0.002%). This variant has not been reported in the literature in individuals affected with GLRB-related conditions. Advanced modeling of protein sequence and biophysical properties (such as structural, functional, and spatial information, amino acid conservation, physicochemical variation, residue mobility, and thermodynamic stability) performed at Invitae indicates that this missense variant is not expected to disrupt GLRB protein function. In summary, the available evidence is currently insufficient to determine the role of this variant in disease. Therefore, it has been classified as a Variant of Uncertain Significance.